The following is an entry in ClinVar:

NM_014244.5(ADAMTS2):c.14_15insACTCAGCA (p.Gly6fs)

Gene: ADAMTS2 (ADAM metallopeptidase with thrombospondin type 1 motif 2; minus strand). Cytogenetic location: 5q35.3.
Variant type: Insertion.
Coding change: c.14_15insACTCAGCA on transcript NM_014244.5 (MANE Select); coding-DNA positions 14 to 15, ACTCAGCA inserted.
Protein change: p.Gly6fs; shifts the reading frame from glycine 6.
Molecular consequence: frameshift variant.
Genome position: GRCh38 VCF-style: chr5-179345314-C-CTGCTGAGT. GRCh37 (hg19) VCF-style: chr5-178772315-C-CTGCTGAGT.
Other names: c.14_15insACTCAGCA, p.Gly6fs (NM_021599.4); short protein forms G6fs.
Identifiers: ClinVar variation 5016376 (VCV005016376.1).

ClinVar aggregate classification (germline): Pathogenic (1 of 4 stars; one submission).

Conditions:
Ehlers-Danlos syndrome, dermatosparaxis type. Also called: EDS VIIC; Dermatosparaxis; Ehlers-Danlos syndrome, type VII, autosomal recessive. Identifiers: Orphanet 1901, MedGen C2700425, MONDO:0009161, OMIM 225410.

Submission:

Myriad Genetics, Inc.
Classification: Pathogenic for Ehlers-Danlos syndrome, dermatosparaxis type. Last evaluated: 2024-05-14. Review status: criteria provided, single submitter. Criteria: Myriad Autosomal Dominant, Autosomal Recessive and X-Linked Classification Criteria (2023). Collection method: clinical testing. Allele origin: unknown.
Comment: NM_014244.4(ADAMTS2):c.14_15ins8(G6Lfs*162) is expected to be pathogenic in the context of Ehlers-Danlos syndrome, ADAMTS2-related. This variant is predicted to lead to an abnormal or absent protein product due to the creation of a premature termination codon in ADAMTS2, a gene where loss-of-function variants are known to be pathogenic. Please note: this variant was assessed in the context of healthy population screening.